The following is an entry in ClinVar:

ClinVar aggregate classification (germline): Pathogenic (1 of 4 stars; one submission).

Conditions:
Hereditary diffuse gastric adenocarcinoma (HDGC). Also called: DIFFUSE GASTRIC AND LOBULAR BREAST CANCER SYNDROME. Identifiers: Orphanet 26106, MedGen C1708349, MONDO:0007648, OMIM 137215.

Submission:

Myriad Genetics, Inc.
Classification: Pathogenic for Hereditary diffuse gastric adenocarcinoma. Last evaluated: 2023-09-19. Review status: criteria provided, single submitter. Criteria: Myriad Autosomal Dominant, Autosomal Recessive and X-Linked Classification Criteria (2023). Collection method: clinical testing. Allele origin: unknown.
Comment: This variant is considered pathogenic. This variant creates a frameshift predicted to result in premature protein truncation.

NM_001903.5(CTNNA1):c.1325_1328del (p.Asn442fs)

Gene: CTNNA1 (catenin alpha 1; plus strand). Cytogenetic location: 5q31.2.
Variant type: Deletion.
Coding change: c.1325_1328del on transcript NM_001903.5 (MANE Select); coding-DNA positions 1325 to 1328, 4 bases deleted (ATAA; older notation c.1325_1328delATAA).
Protein change: p.Asn442fs; shifts the reading frame from asparagine 442.
Molecular consequence: frameshift variant. On other transcripts: 5 prime UTR variant (6), intron variant (3).
Genome position (GRCh38, 1-based): chr5:138,904,377-138,904,380, ATAA deleted; deleting any 4 consecutive bases within chr5:138,904,375-138,904,380 gives the same sequence; the c. name uses the placement nearest the transcript's 3' end. VCF-style (leftmost placement, unchanged base first): chr5-138904374-CAAAT-C. GRCh37 (hg19) VCF-style: chr5-138240063-CAAAT-C.
Other names: c.1325_1328del, p.Asn442fs (NM_001290307.3, NM_001323982.2, NM_001323983.1 and 2 more transcripts); c.1016_1019del, p.Asn339fs (NM_001290309.3); c.956_959del, p.Asn319fs (NM_001290310.3); c.215_218del, p.Asn72fs (NM_001290312.1, NM_001323987.1, NM_001323988.1 and 17 more transcripts); c.-183_-180del (NM_001324006.1, NM_001324007.1, NM_001324008.1 and 1 more transcripts); c.-29_-26del (NM_001324012.1, NM_001324013.1); c.1297-13365_1297-13362del (NM_001323986.2); c.187-13365_187-13362del (NM_001324011.1); and 1 more; short protein forms N319fs, N339fs, N442fs, N72fs.
Identifiers: ClinVar variation 2673335 (VCV002673335.1), dbSNP rs2533352646, ClinGen allele CA2695198756.